The following is an entry in ClinVar:

ClinVar aggregate classification (germline): Uncertain significance. Review status: criteria provided, multiple submitters, no conflicts (2 of 4 stars). 2 submissions from 2 submitters: Uncertain significance (2). Last evaluated 2022-08-13.

Conditions:
Developmental and epileptic encephalopathy, 36 (DEE36). Also called: Congenital disorder of glycosylation, type Is; Epileptic encephalopathy, early infantile, 36; ALG13-CDG. Identifiers: Orphanet 324422, MedGen C4317295, MONDO:0010472, OMIM 300884.

Allele frequency attached by ClinVar (database versions not stated): gnomAD exomes 0.00001; TOPMed 0.00001; gnomAD 0.00002.
gnomAD v4.1: 3 of 1,199,300 alleles (0.00025%); highest among the groups gnomAD compares: Non-Finnish European, 0.00034%; no homozygotes.

Submissions (2):

Labcorp Genetics (formerly Invitae), Labcorp
Classification: Uncertain significance for Developmental and epileptic encephalopathy, 36. Last evaluated: 2022-08-13. Review status: criteria provided, single submitter. Criteria: Invitae Variant Classification Sherloc (09022015). Collection method: clinical testing. Allele origin: germline.
Comment: This sequence change replaces serine, which is neutral and polar, with phenylalanine, which is neutral and non-polar, at codon 693 of the ALG13 protein (p.Ser693Phe). This variant is present in population databases (no rsID available, gnomAD 0.001%). This variant has not been reported in the literature in individuals affected with ALG13-related conditions. ClinVar contains an entry for this variant (Variation ID: 647916). Algorithms developed to predict the effect of missense changes on protein structure and function are either unavailable or do not agree on the potential impact of this missense change (SIFT: "Deleterious"; PolyPhen-2: "Probably Damaging"; Align-GVGD: "Class C15"). In summary, the available evidence is currently insufficient to determine the role of this variant in disease. Therefore, it has been classified as a Variant of Uncertain Significance.

GeneDx
Classification: Uncertain significance. Last evaluated: 2022-05-16. Review status: criteria provided, single submitter. Criteria: GeneDx Variant Classification Process June 2021. Collection method: clinical testing. Allele origin: germline. Affected: yes.
Comment: In silico analysis supports that this missense variant has a deleterious effect on protein structure/function; Has not been previously published as pathogenic or benign to our knowledge

NM_001099922.3(ALG13):c.2078C>T (p.Ser693Phe)

Gene: ALG13 (ALG13 UDP-N-acetylglucosaminyltransferase subunit; plus strand). Cytogenetic location: Xq23.
Variant type: single nucleotide variant.
Coding change: c.2078C>T on transcript NM_001099922.3 (MANE Select); coding-DNA position 2078, C replaced by T.
Protein change: p.Ser693Phe; replaces serine 693 with phenylalanine.
Molecular consequence: missense variant. On other transcripts: non-coding transcript variant (1).
Genome position (GRCh38, 1-based): chrX:111,727,433, C>T. VCF-style: chrX-111727433-C-T. GRCh37 (hg19) VCF-style: chrX-110970661-C-T.
Other names: c.1766C>T, p.Ser589Phe (NM_001257230.2, NM_001257234.2, NM_001257237.2); c.1844C>T, p.Ser615Phe (NM_001257231.2); c.2078C>T, p.Ser693Phe (NM_001324292.2); c.1592C>T, p.Ser531Phe (NM_001324293.1); short protein forms S531F, S615F, S693F, S589F.
Identifiers: ClinVar variation 647916 (VCV000647916.5), dbSNP rs919912146, ClinGen allele CA334444513.